The following is an entry in ClinVar:

ClinVar aggregate classification (germline): Benign. Review status: criteria provided, multiple submitters, no conflicts (2 of 4 stars). 5 submissions from 5 submitters: Benign (4). 1 of the submissions does not count toward it. Last evaluated 2026-01-27.

Conditions:
ACE-related disorder. Also called: ACE-related disorders; ACE-related condition.
Renal tubular dysgenesis of genetic origin. Also called: PRIMITIVE RENAL TUBULE SYNDROME. Identifiers: Orphanet 97369, MedGen C5681536, MONDO:0009970, OMIM 267430.
Microvascular complications of diabetes, susceptibility to, 3. Identifiers: MedGen C2675470, MONDO:0012963, OMIM 612624.
Hemorrhage, intracerebral, susceptibility to (ICH). Also called: Stroke, hemorrhagic, susceptibility to. Identifiers: MedGen C3281105, MONDO:0100533, OMIM 614519.
Renal tubular dysgenesis. Also called: Renotubular dysgenesis. Identifiers: Orphanet 3033, MedGen C0266313, MONDO:0017609, HP:0008660.

Allele frequency attached by ClinVar (database versions not stated): ExAC 0.00224; gnomAD 0.00679; TOPMed 0.00804; ESP Exome Variant Server 0.00815; 1000 Genomes Project 30x 0.00953; 1000 Genomes Project 0.00978.
gnomAD v4.1: 2,237 of 1,613,544 alleles (0.14%); highest among the groups gnomAD compares: African/African-American, 2.6%; 34 homozygotes.

Submissions (5):

Labcorp Genetics (formerly Invitae), Labcorp
Classification: Benign. Last evaluated: 2026-01-27. Review status: criteria provided, single submitter. Criteria: Invitae Variant Classification Sherloc (09022015). Collection method: clinical testing. Allele origin: germline.

Fulgent Genetics
Classification: Benign for Renal tubular dysgenesis of genetic origin; Microvascular complications of diabetes, susceptibility to, 3; Hemorrhage, intracerebral, susceptibility to. Last evaluated: 2021-09-27. Review status: criteria provided, single submitter. Criteria: ACMG Guidelines, 2015. Collection method: clinical testing. Allele origin: unknown.

Illumina Laboratory Services, Illumina
Classification: Benign for Renal tubular dysgenesis of genetic origin. Last evaluated: 2018-01-12. Review status: criteria provided, single submitter. Criteria: ICSL Variant Classification Criteria 13 December 2019. Collection method: clinical testing. Allele origin: germline.
Comment: This variant was observed in the ICSL laboratory as part of a predisposition screen in an ostensibly healthy population. It had not been previously curated by ICSL or reported in the Human Gene Mutation Database (HGMD: prior to June 1st, 2018), and was therefore a candidate for classification through an automated scoring system. Utilizing variant allele frequency, disease prevalence and penetrance estimates, and inheritance mode, an automated score was calculated to assess if this variant is too frequent to cause the disease. Based on the score and internal cut-off values, a variant classified as benign is not then subjected to further curation. The score for this variant resulted in a classification of benign for this disease.

Breakthrough Genomics
Classification: Benign. Review status: criteria provided, single submitter. Criteria: ACMG Guidelines, 2015. Collection method: not provided. Allele origin: germline. Inheritance: Autosomal recessive inheritance. Affected: yes.

PreventionGenetics, part of Exact Sciences
Classification: Benign for ACE-related condition. Last evaluated: 2019-07-23. Review status: no assertion criteria provided. Collection method: clinical testing. Allele origin: germline. Not counted in ClinVar's aggregate classification.
Comment: This variant is classified as benign based on ACMG/AMP sequence variant interpretation guidelines (Richards et al. 2015 PMID: 25741868, with internal and published modifications).

NM_000789.4(ACE):c.656-9C>T

Gene: ACE (angiotensin I converting enzyme; plus strand). Cytogenetic location: 17q23.3.
Variant type: single nucleotide variant.
Coding change: c.656-9C>T on transcript NM_000789.4 (MANE Select); 9 bases into the intron before coding-DNA position 656, C replaced by T.
Molecular consequence: intron variant.
Genome position (GRCh38, 1-based): chr17:63,480,328, C>T. VCF-style: chr17-63480328-C-T. GRCh37 (hg19) VCF-style: chr17-61557689-C-T.
Identifiers: ClinVar variation 777208 (VCV000777208.16), dbSNP rs12720734, ClinGen allele CA8699196.